The following is an entry in ClinVar:

NM_001282874.2(SMARCA1):c.353C>T (p.Thr118Ile)

Gene: SMARCA1 (SNF2 related chromatin remodeling ATPase 1; minus strand). Cytogenetic location: Xq26.1.
Variant type: single nucleotide variant.
Coding change: c.353C>T on transcript NM_001282874.2 (MANE Select); coding-DNA position 353, C replaced by T.
Protein change: p.Thr118Ile; replaces threonine 118 with isoleucine.
Molecular consequence: missense variant.
Genome position (GRCh38, 1-based): chrX:129,516,406, G>A on the plus strand (C>T on the coding strand, the complement: SMARCA1 is on the minus strand). VCF-style: chrX-129516406-G-A. GRCh37 (hg19) VCF-style: chrX-128650383-G-A.
Other names: c.353C>T, p.Thr118Ile (NM_001282875.2, NM_001378261.1, NM_001378262.1 and 3 more transcripts); short protein forms T118I.
Identifiers: ClinVar variation 3901131 (VCV003901131.1).

ClinVar aggregate classification (germline): Uncertain significance (1 of 4 stars; one submission).

Conditions:
Neurodevelopmental disorder. Identifiers: MedGen C1535926, MeSH D065886, MONDO:0700092.

Submission:

Developmental Brain Disorders Lab, Seattle Children's Hospital
Classification: Uncertain significance for Neurodevelopmental disorder. Last evaluated: 2025-05-01. Review status: criteria provided, single submitter. Criteria: ACMG Guidelines, 2015. Collection method: research. Allele origin: de novo. Affected: yes.
Comment: It meets ACMG variant classification criteria (PM2) (PMID:25741868).